The following is an entry in ClinVar:

ClinVar aggregate classification (germline): Conflicting classifications of pathogenicity. Review status: criteria provided, conflicting classifications (1 of 4 stars). 7 submissions from 7 submitters: Likely pathogenic (5); Uncertain significance (1). 1 of the submissions does not count toward it. Last evaluated 2025-04-21.

Conditions:
Mucolipidosis type IV (ML4). Also called: ML IV. Identifiers: Orphanet 578, MedGen C0238286, MONDO:0009653, OMIM 252650.

Allele frequency attached by ClinVar (database versions not stated): ExAC 0.00001.
gnomAD v4.1: 8 of 1,614,158 alleles (0.0005%); highest among the groups gnomAD compares: Admixed American, 0.0017%; no homozygotes.

Submissions (7):

Labcorp Genetics (formerly Invitae), Labcorp
Classification: Uncertain significance for Mucolipidosis type IV. Last evaluated: 2025-04-21. Review status: criteria provided, single submitter. Criteria: Invitae Variant Classification Sherloc (09022015). Collection method: clinical testing. Allele origin: germline.
Comment: This sequence change replaces valine, which is neutral and non-polar, with methionine, which is neutral and non-polar, at codon 446 of the MCOLN1 protein (p.Val446Met). This variant is present in population databases (rs754097561, gnomAD 0.007%). This missense change has been observed in individual(s) with MCOLN1-related conditions and/or mucolipidase IV (PMID: 32860008, 35425852, 37644014). ClinVar contains an entry for this variant (Variation ID: 426811). Invitae Evidence Modeling of protein sequence and biophysical properties (such as structural, functional, and spatial information, amino acid conservation, physicochemical variation, residue mobility, and thermodynamic stability) indicates that this missense variant is expected to disrupt MCOLN1 protein function with a positive predictive value of 95%. This variant disrupts the p.Val446 amino acid residue in MCOLN1. Other variant(s) that disrupt this residue have been observed in individuals with MCOLN1-related conditions (PMID: 11030752, 35425852), which suggests that this may be a clinically significant amino acid residue. In summary, the available evidence is currently insufficient to determine the role of this variant in disease. Therefore, it has been classified as a Variant of Uncertain Significance.

Natera, Inc.
Classification: Likely pathogenic for Mucolipidosis type IV. Last evaluated: 2025-03-26. Review status: criteria provided, single submitter. Criteria: Natera Variant Classification Schema (03/2026). Collection method: clinical testing. Allele origin: germline.
Comment: The c.1336G>A variant in MCOLN1 is a missense variant predicted to cause substitution of valine to methionine at amino acid 446. This variant is rare in the general population with a frequency below the threshold expected for the associated phenotype(s). This variant has been observed in one or more individuals affected with the associated recessive disease, as either homozygous or compound heterozygous with a second variant (PMID: 32860008, 37644014, 36937954). Computational prediction algorithms indicate this variant is likely to affect gene or protein function. Given the available evidence, this variant is classified as Likely Pathogenic.

Genomic Medicine Center of Excellence, King Faisal Specialist Hospital and Research Centre
Classification: Likely pathogenic for Mucolipidosis type IV. Last evaluated: 2024-03-17. Review status: criteria provided, single submitter. Criteria: ACMG Guidelines, 2015. Collection method: research. Allele origin: germline.

GeneDx
Classification: Likely pathogenic. Last evaluated: 2017-04-03. Review status: criteria provided, single submitter. Criteria: GeneDx Variant Classification (06012015). Collection method: clinical testing. Allele origin: germline. Affected: yes.
Comment: The V446M variant has not been published as a pathogenic variant, nor has itbeen reported as a benign variant to our knowledge. The V446M variant is not observed in largepopulation cohorts (Lek et al., 2016; 1000 Genomes Consortium et al., 2015; Exome Variant Server).The V446M variant is a conservative amino acid substitution, which is not likely to impact secondaryprotein structure as these residues share similar properties. This substitution occurs at a position that isconserved across species. In silico analysis predicts this variant is probably damaging to the proteinstructure/function. A missense variant at the same residue (V446L) has been reported in the HumanGene Mutation Database in association with mucolipidosis type IV (Stenson et al., 2014), supportingthe functional importance of this region of the protein. In summary, the V446M variant is likelypathogenic; however, the possibility that it is benign cannot be excluded.

CENTOGENE GmbH and LLC - Guiding Precision Medicine
Classification: Likely pathogenic for Mucolipidosis type IV. Review status: criteria provided, single submitter. Criteria: ACMG Guidelines, 2015. Collection method: clinical testing. Allele origin: germline. Affected: yes.

Pediatric/Medical Genetics, Ministry of Health, Qatif Central Hospital
Classification: Likely pathogenic for Mucolipidosis type IV. Review status: criteria provided, single submitter. Criteria: ACMG Guidelines, 2015. Collection method: clinical testing. Allele origin: germline. Inheritance: Autosomal recessive inheritance. Affected: yes. Observed: 1 homozygote.
Comment: The MCOLN1 variant c.1336G>A p.(Val446Met) causes an amino acid change from Val to Met at position 446 in exon(s) no. 11 (of 14). According to HGMD Professional 2024.1, this variant has previously been described as disease causing for Mucolipidosis IV (PMID:31589614, 37644014, 36937954). ClinVar lists this variant (Interpretation: Conflicting interpretations of pathogenicity; Likely pathogenic (3), Uncertain significance (1); Variation ID: 426811). The reported patients in ClinVar are majority from Arab population suggesting possible founder effect.

Biochemical Molecular Genetic Laboratory, King Abdulaziz Medical City
Classification: Pathogenic for Mucolipidosis type IV. Last evaluated: 2019-09-26. Review status: no assertion criteria provided. Collection method: clinical testing. Allele origin: germline. Affected: yes. Not counted in ClinVar's aggregate classification.

Literature cited by the submitters: PubMed 32860008 (cited by 3 submitters); PubMed 35425852 (cited by Labcorp Genetics (formerly Invitae), Labcorp); PubMed 37644014 (cited by Labcorp Genetics (formerly Invitae), Labcorp and Natera, Inc.); PubMed 11030752 (cited by Labcorp Genetics (formerly Invitae), Labcorp); PubMed 36937954 (cited by Natera, Inc.).

NM_020533.3(MCOLN1):c.1336G>A (p.Val446Met)

Gene: MCOLN1 (mucolipin TRP cation channel 1; plus strand). Cytogenetic location: 19p13.2.
Variant type: single nucleotide variant.
Coding change: c.1336G>A on transcript NM_020533.3 (MANE Select); coding-DNA position 1336, G replaced by A.
Protein change: p.Val446Met; replaces valine 446 with methionine.
Molecular consequence: missense variant.
Genome position (GRCh38, 1-based): chr19:7,529,689, G>A. VCF-style: chr19-7529689-G-A. GRCh37 (hg19) VCF-style: chr19-7594575-G-A.
Other names: short protein forms V446M.
Identifiers: ClinVar variation 426811 (VCV000426811.13), dbSNP rs754097561, ClinGen allele CA9139117.